The following is an entry in ClinVar:

NM_020699.4(GATAD2B):c.124C>T (p.Arg42Cys)

Gene: GATAD2B (GATA zinc finger domain containing 2B; minus strand). Cytogenetic location: 1q21.3.
Variant type: single nucleotide variant.
Coding change: c.124C>T on transcript NM_020699.4 (MANE Select); coding-DNA position 124, C replaced by T.
Protein change: p.Arg42Cys; replaces arginine 42 with cysteine.
Molecular consequence: missense variant.
Genome position (GRCh38, 1-based): chr1:153,828,224, G>A on the plus strand (C>T on the coding strand, the complement: GATAD2B is on the minus strand). VCF-style: chr1-153828224-G-A. GRCh37 (hg19) VCF-style: chr1-153800700-G-A.
Other names: c.124C>T (NM_020699.3); short protein forms R42C.
Identifiers: ClinVar variation 3617636 (VCV003617636.3).
Genomic context (GRCh38, chr1:153,828,224, plus strand): 5'-CATGTGGCACCTCAAGATTTGCCAAATCCTTCCTTTTGAGCAATGCCAACATTTTCAGAC[G>A]TTCCATGGCCTCATGCCCCTCCATTTTGAGTCGCTTTGCCAGGACATCATCTCGCTCATC-3'
Protein context (NP_065750.1, residues 32-52): LKMEGHEAME[Arg42Cys]LKMLALLKRK

ClinVar aggregate classification (germline): Uncertain significance. Review status: criteria provided, multiple submitters, no conflicts (2 of 4 stars). 2 submissions from 2 submitters: Uncertain significance (2). Last evaluated 2026-03-27.

Conditions:
GATAD2B-related disorder. Also called: GATAD2B-related condition.

gnomAD v4.1: 1 of 1,614,104 alleles (0.000062%); highest among the groups gnomAD compares: Non-Finnish European, 0.000085%; no homozygotes.

Submissions (2):

PreventionGenetics, part of Exact Sciences
Classification: Uncertain significance for GATAD2B-related condition. Last evaluated: 2026-03-27. Review status: criteria provided, single submitter. Criteria: ACMG Guidelines, 2015. Collection method: clinical testing. Allele origin: germline.
Comment: The GATAD2B c.124C>T variant is predicted to result in the amino acid substitution p.Arg42Cys. To our knowledge, this variant has not been reported in the literature or in a large population database (gnomAD), indicating this variant is rare. At this time, the clinical significance of this variant is uncertain due to the absence of conclusive functional and genetic evidence.

Labcorp Genetics (formerly Invitae), Labcorp
Classification: Uncertain significance. Last evaluated: 2024-08-20. Review status: criteria provided, single submitter. Criteria: Invitae Variant Classification Sherloc (09022015). Collection method: clinical testing. Allele origin: germline.
Comment: This sequence change replaces arginine, which is basic and polar, with cysteine, which is neutral and slightly polar, at codon 42 of the GATAD2B protein (p.Arg42Cys). This variant is not present in population databases (gnomAD no frequency). This variant has not been reported in the literature in individuals affected with GATAD2B-related conditions. Invitae Evidence Modeling of protein sequence and biophysical properties (such as structural, functional, and spatial information, amino acid conservation, physicochemical variation, residue mobility, and thermodynamic stability) indicates that this missense variant is expected to disrupt GATAD2B protein function with a positive predictive value of 80%. In summary, the available evidence is currently insufficient to determine the role of this variant in disease. Therefore, it has been classified as a Variant of Uncertain Significance.